The following is an entry in ClinVar:

NM_000368.5(TSC1):c.3088A>G (p.Ser1030Gly)

Gene: TSC1 (TSC complex subunit 1; minus strand). Cytogenetic location: 9q34.13.
Variant type: single nucleotide variant.
Coding change: c.3088A>G on transcript NM_000368.5 (MANE Select); coding-DNA position 3088, A replaced by G.
Protein change: p.Ser1030Gly; replaces serine 1030 with glycine.
Molecular consequence: missense variant.
Genome position (GRCh38, 1-based): chr9:132,896,642, T>C on the plus strand (A>G on the coding strand, the complement: TSC1 is on the minus strand). VCF-style: chr9-132896642-T-C. GRCh37 (hg19) VCF-style: chr9-135772029-T-C.
Other names: c.3088A>G, p.Ser1030Gly (NM_001406593.1, NM_001406594.1, NM_001406595.1 and 2 more transcripts); c.3085A>G, p.Ser1029Gly (NM_001406597.1, NM_001406598.1, NM_001406599.1 and 2 more transcripts); c.3073A>G, p.Ser1025Gly (NM_001406601.1, NM_001406602.1); c.2932A>G, p.Ser978Gly (NM_001406612.1, NM_001406611.1); c.2890A>G, p.Ser964Gly (NM_001406613.1); c.2725A>G, p.Ser909Gly (NM_001406614.1, NM_001406615.1, NM_001406616.1 and 4 more transcripts); c.2722A>G, p.Ser908Gly (NM_001406620.1, NM_001406621.1, NM_001406622.1 and 1 more transcripts); c.2935A>G, p.Ser979Gly (NM_001162427.2, NM_001406610.1); and 8 more; short protein forms S1015G, S1016G, S1024G, S1025G, S1029G, S1030G, S679G, S712G.
Identifiers: ClinVar variation 1722088 (VCV001722088.8), dbSNP rs1588287783, ClinGen allele CA375367515.

ClinVar aggregate classification (germline): Conflicting classifications of pathogenicity. Review status: criteria provided, conflicting classifications (1 of 4 stars). 3 submissions from 3 submitters: Uncertain significance (2); Likely benign (1). Last evaluated 2023-08-04.

Conditions:
Tuberous sclerosis 1 (TSC1). Identifiers: Orphanet 805, MedGen C1854465, MONDO:0008612, OMIM 191100.
Hereditary cancer-predisposing syndrome. Also called: Hereditary Cancer Syndrome; Hereditary neoplastic syndrome; Neoplastic Syndromes, Hereditary; Tumor predisposition. Identifiers: Orphanet 140162, MedGen C0027672, MeSH D009386, MONDO:0015356.
Tuberous sclerosis syndrome (TSC). Also called: Tuberous Sclerosis Complex; Tuberous sclerosis. Identifiers: Orphanet 805, MedGen C0041341, MONDO:0001734.

Submissions (3):

Ambry Genetics
Classification: Likely benign for Hereditary cancer-predisposing syndrome. Last evaluated: 2023-08-04. Review status: criteria provided, single submitter. Criteria: Ambry Variant Classification Scheme 2023. Collection method: clinical testing. Allele origin: germline.

All of Us Research Program, National Institutes of Health
Classification: Uncertain significance for Tuberous sclerosis syndrome. Last evaluated: 2023-04-10. Review status: criteria provided, single submitter. Criteria: ACMG Guidelines, 2015. Collection method: clinical testing. Allele origin: germline. Inheritance: Autosomal dominant inheritance. Observed: 1 variant allele, 1 heterozygote.
Comment: This missense variant replaces serine with glycine at codon 1030 of the TSC1 protein. Computational prediction suggests that this variant may not impact protein structure and function (internally defined REVEL score threshold <= 0.5, PMID: 27666373). To our knowledge, functional studies have not been reported for this variant. This variant has not been reported in individuals affected with TSC1-related disorders in the literature. This variant has not been identified in the general population by the Genome Aggregation Database (gnomAD). The available evidence is insufficient to determine the role of this variant in disease conclusively. Therefore, this variant is classified as a Variant of Uncertain Significance.

This study involves interpretation of variants in research participants for the purpose of population health screening. Participant phenotype was not available at the time of variant classification. Additional details can be found in publication PMID: 35346344, PMCID: PMC8962531

Labcorp Genetics (formerly Invitae), Labcorp
Classification: Uncertain significance for Tuberous sclerosis 1. Last evaluated: 2022-10-23. Review status: criteria provided, single submitter. Criteria: Invitae Variant Classification Sherloc (09022015). Collection method: clinical testing. Allele origin: germline.
Comment: This variant is not present in population databases (gnomAD no frequency). In summary, the available evidence is currently insufficient to determine the role of this variant in disease. Therefore, it has been classified as a Variant of Uncertain Significance. Advanced modeling of protein sequence and biophysical properties (such as structural, functional, and spatial information, amino acid conservation, physicochemical variation, residue mobility, and thermodynamic stability) performed at Invitae indicates that this missense variant is not expected to disrupt TSC1 protein function. This variant has not been reported in the literature in individuals affected with TSC1-related conditions. This sequence change replaces serine, which is neutral and polar, with glycine, which is neutral and non-polar, at codon 1030 of the TSC1 protein (p.Ser1030Gly).